The following is an entry in ClinVar:

ClinVar aggregate classification (germline): Uncertain significance (1 of 4 stars; one submission).

gnomAD v4.1: 3 of 1,614,180 alleles (0.00019%); highest among the groups gnomAD compares: Non-Finnish European, 0.00025%; no homozygotes.

Submission:

Labcorp Genetics (formerly Invitae), Labcorp
Classification: Uncertain significance. Last evaluated: 2022-06-06. Review status: criteria provided, single submitter. Criteria: Invitae Variant Classification Sherloc (09022015). Collection method: clinical testing. Allele origin: germline.
Comment: This sequence change replaces valine, which is neutral and non-polar, with leucine, which is neutral and non-polar, at codon 522 of the TUB protein (p.Val522Leu). This variant is present in population databases (rs527582687, gnomAD 0.0009%). This variant has not been reported in the literature in individuals affected with TUB-related conditions. Algorithms developed to predict the effect of missense changes on protein structure and function are either unavailable or do not agree on the potential impact of this missense change (SIFT: "Deleterious"; PolyPhen-2: "Benign"; Align-GVGD: "Class C25"). In summary, the available evidence is currently insufficient to determine the role of this variant in disease. Therefore, it has been classified as a Variant of Uncertain Significance.

NM_177972.3(TUB):c.1399G>C (p.Val467Leu)

Genes: RIC3 (RIC3 acetylcholine receptor chaperone; minus strand), TUB (TUB bipartite transcription factor; plus strand). Cytogenetic location: 11p15.4.
Variant type: single nucleotide variant.
Coding change: c.1399G>C on transcript NM_177972.3 (MANE Select); coding-DNA position 1399, G replaced by C.
Protein change: p.Val467Leu; replaces valine 467 with leucine.
Molecular consequence: missense variant.
Genome position (GRCh38, 1-based): chr11:8,101,497, G>C. VCF-style: chr11-8101497-G-C. GRCh37 (hg19) VCF-style: chr11-8123044-G-C.
Other names: c.1564G>C, p.Val522Leu (NM_003320.5); short protein forms V522L, V467L.
Identifiers: ClinVar variation 2067500 (VCV002067500.4), dbSNP rs527582687, ClinGen allele CA5871512.